The following is an entry in ClinVar:

ClinVar aggregate classification (germline): Uncertain significance. Review status: criteria provided, multiple submitters, no conflicts (2 of 4 stars). 2 submissions from 2 submitters: Uncertain significance (2). Last evaluated 2026-06-02.

Conditions:
Congenital hyperammonemia, type I. Also called: Carbamoyl-phosphate synthase I deficiency; Carbamoyl phosphate synthetase I deficiency disease; CPS I DEFICIENCY; Carbamoyl phosphate synthetase 1 deficiency; Hyperammonemia due to carbamoyl phosphate synthetase 1 deficiency; CPS 1 deficiency. Identifiers: Orphanet 147, MedGen C4082171, MONDO:0009376, OMIM 237300.

Allele frequency attached by ClinVar (database versions not stated): gnomAD exomes 0.00003 and 0.00001; TOPMed 0.00001; ExAC 0.00003.
gnomAD v4.1: 23 of 1,613,846 alleles (0.0014%); highest among the groups gnomAD compares: Middle Eastern, 0.016%; no homozygotes.

Submissions (2):

Women's Health and Genetics/Laboratory Corporation of America, LabCorp
Classification: Uncertain significance. Last evaluated: 2026-06-02. Review status: criteria provided, single submitter. Criteria: LabCorp Variant Classification Summary - May 2015. Collection method: clinical testing. Allele origin: germline.
Comment: Variant summary: CPS1 c.3724G>A (p.Val1242Ile) results in a conservative amino acid change in the encoded protein sequence. Algorithms developed to predict the effect of missense changes on protein structure and function are either unavailable or do not agree on the potential impact of this missense change. The variant allele was found at a frequency of 2.8e-05 in 251468 control chromosomes. The available data on variant occurrences in the general population are insufficient to allow any conclusion about variant significance. To our knowledge, no occurrence of c.3724G>A in individuals affected with CPS1-related conditions and no experimental evidence demonstrating its impact on protein function have been reported. ClinVar contains an entry for this variant (Variation ID: 873533). Based on the evidence outlined above, the variant was classified as uncertain significance.

Illumina Laboratory Services, Illumina
Classification: Uncertain significance for Congenital hyperammonemia, type I. Last evaluated: 2020-01-27. Review status: criteria provided, single submitter. Criteria: ICSLVariantClassificationCriteria RUGD 01 April 2020. Collection method: clinical testing. Allele origin: unknown.
Comment: The CPS1 c.3724G>A (p.Val1242Ile) variant is a missense variant. A literature search was performed for the gene, cDNA change, and amino acid change. No publications were found based on this search. This variant is not found in the Genome Aggregation Database and is in a region of good sequence coverage, so the variant is presumed to be rare. Based on the limited evidence, the p.Val1242Ile variant is classified as a variant of unknown significance for carbamoylphosphate synthetase I deficiency.

NM_001875.5(CPS1):c.3724G>A (p.Val1242Ile)

Gene: CPS1 (carbamoyl-phosphate synthase 1; plus strand). Cytogenetic location: 2q34.
Variant type: single nucleotide variant.
Coding change: c.3724G>A on transcript NM_001875.5 (MANE Select); coding-DNA position 3724, G replaced by A.
Protein change: p.Val1242Ile; replaces valine 1242 with isoleucine.
Molecular consequence: missense variant. On other transcripts: non-coding transcript variant (2).
Genome position (GRCh38, 1-based): chr2:210,658,656, G>A. VCF-style: chr2-210658656-G-A. GRCh37 (hg19) VCF-style: chr2-211523380-G-A.
Other names: c.3724G>A, p.Val1242Ile (NM_001122633.3, NM_001369257.1); c.3757G>A, p.Val1253Ile (NM_001369256.1); short protein forms V1242I, V1253I.
Identifiers: ClinVar variation 873533 (VCV000873533.5), dbSNP rs766236739, ClinGen allele CA2087055.